The following is an entry in ClinVar:

ClinVar aggregate classification (germline): Uncertain significance (1 of 4 stars; one submission).

Submission:

Labcorp Genetics (formerly Invitae), Labcorp
Classification: Uncertain significance. Last evaluated: 2025-12-02. Review status: criteria provided, single submitter. Criteria: Invitae Variant Classification Sherloc (09022015). Collection method: clinical testing. Allele origin: germline.
Comment: This variant, c.567_569dup, results in the insertion of 1 amino acid(s) of the ARID1A protein (p.Gly191dup), but otherwise preserves the integrity of the reading frame. This variant is present in population databases (rs776030168, gnomAD 0.009%). This variant has not been reported in the literature in individuals affected with ARID1A-related conditions. In summary, the available evidence is currently insufficient to determine the role of this variant in disease. Therefore, it has been classified as a Variant of Uncertain Significance.

NM_006015.6(ARID1A):c.558CGG[5] (p.Gly191_Leu192insGly)

Gene: ARID1A (AT-rich interaction domain 1A; plus strand). Cytogenetic location: 1p36.11.
Variant type: Microsatellite.
Coding change: c.558CGG[5] on transcript NM_006015.6 (MANE Select); five copies in a row of the 3-base unit CGG starting at c.558; the reference has four copies in a row; one copy, 3 bases duplicated.
Protein change: p.Gly191_Leu192insGly.
Molecular consequence: inframe insertion.
Genome position (GRCh38, 1-based): chr1:26,696,970-26,696,972, CGG duplicated; duplicating any 3 consecutive bases within chr1:26,696,960-26,696,972 gives the same sequence; the position shown is the placement nearest the transcript's 3' end. VCF-style (leftmost placement, unchanged base first): chr1-26696959-A-AGCG. GRCh37 (hg19) VCF-style: chr1-27023450-A-AGCG.
Other names: c.558CGG[5], p.Gly191_Leu192insGly (NM_139135.4).
Identifiers: ClinVar variation 4752449 (VCV004752449.1).
Genomic context (GRCh38, chr1:26,696,959, plus strand): 5'-GCCGCCGTCTTCCACCAACAACATGGCGGACAACAAAGCCCTGGCCTGGCAGCGCTGCAG[A>AGCG]GCGGCGGCGGCGGGGGCCTGGAGCCCTACGCGGGGCCCCAGCAGAACTCTCACGACCACG-3'